The following is an entry in ClinVar:

NM_000443.4(ABCB4):c.1015del (p.Ser339fs)

Gene: ABCB4 (ATP binding cassette subfamily B member 4; minus strand). Cytogenetic location: 7q21.12.
Variant type: Deletion.
Coding change: c.1015del on transcript NM_000443.4 (MANE Select); coding-DNA position 1015, one base deleted (T; older notation c.1015delT).
Protein change: p.Ser339fs; shifts the reading frame from serine 339.
Molecular consequence: frameshift variant.
Genome position (GRCh38, 1-based): chr7:87,444,966, A deleted on the plus strand (T on the coding strand, the reverse complement: ABCB4 is on the minus strand); the first of 9 consecutive A bases (chr7:87,444,966-87,444,974); deleting any one gives the same sequence. VCF-style (leftmost placement, unchanged base first): chr7-87444965-GA-G. GRCh37 (hg19) VCF-style: chr7-87074281-GA-G.
Other names: c.1015del, p.Ser339fs (NM_018849.3, NM_018850.3); c.1015delT (NM_000443.3); short protein forms S339fs.
Identifiers: ClinVar variation 500242 (VCV000500242.13), dbSNP rs753104429, ClinGen allele CA4327401.

ClinVar aggregate classification (germline): Pathogenic/Likely pathogenic. Review status: criteria provided, multiple submitters, no conflicts (2 of 4 stars). 7 submissions from 7 submitters: Pathogenic (6); Likely pathogenic (1). Last evaluated 2026-07-14.

Conditions:
Familial intrahepatic cholestasis. Identifiers: Orphanet 284385, MedGen CN296401, MONDO:0017290.
Low phospholipid associated cholelithiasis (GBD1). Also called: Gallbladder disease 1; Gallstone cholecystitis. Identifiers: Orphanet 69663, MedGen C2609268, MONDO:0010939, OMIM 600803.
ABCB4-related disorder. Also called: ABCB4-related disorders; ABCB4-related condition.
Cholestasis, intrahepatic, of pregnancy, 3. Identifiers: Orphanet 69665, MedGen C3554241, MONDO:0013995, OMIM 614972.

Submissions (7):

PreventionGenetics, part of Exact Sciences
Classification: Pathogenic for ABCB4-related condition. Last evaluated: 2026-07-14. Review status: criteria provided, single submitter. Criteria: ACMG Guidelines, 2015. Collection method: clinical testing. Allele origin: germline.
Comment: The ABCB4 c.1015delT variant is predicted to result in a frameshift and premature protein termination (p.Ser339Glnfs*3). This variant, in the heterozygous state, has been reported to be causative for cholestasis (Rosmorduc et al. 2003. PubMed ID: 12891548; Table S6, Dröge et al. 2017. PubMed ID: 28733223; Poupon et al. 2013. PubMed ID: 23533021). This variant is reported in 0.023% of alleles in individuals of Ashkenazi Jewish descent in gnomAD. Frameshift variants in ABCB4 are expected to be pathogenic. This variant is interpreted as pathogenic.

Genomenon, Inc
Classification: Pathogenic for Familial intrahepatic cholestasis; Low phospholipid associated cholelithiasis. Last evaluated: 2026-04-14. Review status: criteria provided, single submitter. Criteria: Genomenon Sequence Variant Interpretation Standards - Updated. Collection method: curation. Allele origin: germline. Affected: yes.
Comment: ABCB4 p.Ser339GlnfsTer3 (c.1015del) is a frameshift variant that results in the production of a truncated protein which is predicted to undergo nonsense-mediated mRNA decay. This variant has been observed in at least one proband with an ABCB4-related disorder (PMID:28733223;12891548). It is absent or not present at a significant frequency in gnomAD. In conclusion, we classify ABCB4 p.Ser339GlnfsTer3 (c.1015del) as a pathogenic variant.

Labcorp Genetics (formerly Invitae), Labcorp
Classification: Pathogenic. Last evaluated: 2025-10-06. Review status: criteria provided, single submitter. Criteria: Invitae Variant Classification Sherloc (09022015). Collection method: clinical testing. Allele origin: germline.
Comment: This sequence change creates a premature translational stop signal (p.Ser339Glnfs*3) in the ABCB4 gene. It is expected to result in an absent or disrupted protein product. Loss-of-function variants in ABCB4 are known to be pathogenic (PMID: 17726488, 25755532). The frequency data for this variant in the population databases is considered unreliable, as metrics indicate poor data quality at this position in the gnomAD database. This variant has not been reported in the literature in individuals affected with ABCB4-related conditions. ClinVar contains an entry for this variant (Variation ID: 500242). For these reasons, this variant has been classified as Pathogenic.

Institute of Immunology and Genetics Kaiserslautern
Classification: Pathogenic for Low phospholipid associated cholelithiasis. Last evaluated: 2025-08-27. Review status: criteria provided, single submitter. Criteria: ACMG Guidelines, 2015. Collection method: clinical testing. Allele origin: germline. Affected: yes. Clinical features observed: Cholangitis (HP:0030151), Decreased liver function (HP:0001410).
Comment: ACMG Criteria: PVS1, PM2, PP1, PP5; Variant was found in heterozygous state in a family with three affected individuals.

3billion
Classification: Pathogenic for Cholestasis, intrahepatic, of pregnancy, 3. Last evaluated: 2024-10-16. Review status: criteria provided, single submitter. Criteria: ACMG Guidelines, 2015. Collection method: clinical testing. Allele origin: germline. Affected: yes.
Comment: The variant is observed at an extremely low frequency in the gnomAD v4.1.0 dataset (total allele frequency: 0.001%). Predicted Consequence/Location: Frameshift: predicted to result in a loss or disruption of normal protein function through nonsense-mediated decay (NMD) or protein truncation. Multiple pathogenic variants are reported downstream of the variant. The variant has been reported at least twice as pathogenic with clinical assertions and evidence for the classification (ClinVar ID: VCV000500242 /PMID: 12891548). Therefore, this variant is classified as Pathogenic according to the recommendation of ACMG/AMP guideline.

Blueprint Genetics
Classification: Likely pathogenic for ABCB4-related disorders. Last evaluated: 2024-09-05. Review status: criteria provided, single submitter. Criteria: ACMG Guidelines, 2015. Collection method: clinical testing. Allele origin: germline. Affected: yes. Observed: 5 variant alleles.

Eurofins Ntd Llc (ga)
Classification: Pathogenic. Last evaluated: 2018-04-20. Review status: criteria provided, single submitter. Criteria: EGL ClinVar v180209 classification definitions. Collection method: clinical testing. Allele origin: germline. Observed: 1 variant allele, 1 heterozygote.

Literature cited by the submitters: PubMed 28733223 (cited by Genomenon, Inc); PubMed 12891548 (cited by 3 submitters); PubMed 17726488 (cited by Labcorp Genetics (formerly Invitae), Labcorp); PubMed 25755532 (cited by Labcorp Genetics (formerly Invitae), Labcorp); PubMed 23533021 (cited by Eurofins Ntd Llc (ga)).